The following is an entry in ClinVar:

ClinVar aggregate classification (germline): Uncertain significance (1 of 4 stars; one submission).

Submission:

Labcorp Genetics (formerly Invitae), Labcorp
Classification: Uncertain significance. Last evaluated: 2021-01-13. Review status: criteria provided, single submitter. Criteria: Invitae Variant Classification Sherloc (09022015). Collection method: clinical testing. Allele origin: germline.
Comment: This sequence change falls in intron 13 of the RINT1 gene. It does not directly change the encoded amino acid sequence of the RINT1 protein. In summary, the available evidence is currently insufficient to determine the role of this variant in disease. Therefore, it has been classified as a Variant of Uncertain Significance. Algorithms developed to predict the effect of sequence changes on RNA splicing suggest that this variant may disrupt the consensus splice site, but this prediction has not been confirmed by published transcriptional studies. This variant has not been reported in the literature in individuals with RINT1-related conditions. This variant is not present in population databases (ExAC no frequency).

NM_021930.6(RINT1):c.2068-11_2068-8del

Genes: EFCAB10 (EF-hand calcium binding domain 10; minus strand), RINT1 (RAD50 interactor 1; plus strand). Cytogenetic location: 7q22.3.
Variant type: Deletion.
Coding change: c.2068-11_2068-8del on transcript NM_021930.6 (MANE Select); 11 bases into the intron before coding-DNA position 2068 through 8 bases into the intron before coding-DNA position 2068, 4 bases deleted (CTTT; older notation c.2068-11_2068-8delCTTT).
Molecular consequence: intron variant. On other transcripts: 3 prime UTR variant (1).
Genome position (GRCh38, 1-based): chr7:105,565,519-105,565,522, CTTT deleted; deleting any 4 consecutive bases within chr7:105,565,517-105,565,522 gives the same sequence; the c. name uses the placement nearest the transcript's 3' end. VCF-style (leftmost placement, unchanged base first): chr7-105565516-ATTCT-A. GRCh37 (hg19) VCF-style: chr7-105205963-ATTCT-A.
Other names: c.*29_*32del (NM_001355530.2); c.1045-11_1045-8del (NM_001346600.2, NM_001346603.2); c.1144-11_1144-8del (NM_001346601.2); c.1834-11_1834-8del (NM_001346599.2); c.360-73_360-70del (NM_001355531.2); c.384-73_384-70del (NM_001355526.2).
Identifiers: ClinVar variation 1051828 (VCV001051828.9), dbSNP rs1791680385, ClinGen allele CA1105478571.